The following is an entry in ClinVar:

NC_000020.10:g.(?_60861619)_(60890283_?)dup

Genes: ADRM1 (ADRM1 26S proteasome ubiquitin receptor; plus strand), LAMA5 (laminin subunit alpha 5; minus strand), OSBPL2 (oxysterol binding protein like 2; plus strand). Cytogenetic location: 20q13.33.
Variant type: Duplication.
Identifiers: ClinVar variation 2427289 (VCV002427289.4).

ClinVar aggregate classification (germline): Uncertain significance (1 of 4 stars; one submission).

Submission:

Labcorp Genetics (formerly Invitae), Labcorp
Classification: Uncertain significance. Last evaluated: 2022-04-08. Review status: criteria provided, single submitter. Criteria: Invitae Variant Classification Sherloc (09022015). Collection method: clinical testing. Allele origin: germline.
Comment: This variant has not been reported in the literature in individuals affected with OSBPL2-related conditions. In summary, the available evidence is currently insufficient to determine the role of this variant in disease. Therefore, it has been classified as a Variant of Uncertain Significance. Experimental studies and prediction algorithms are not available or were not evaluated, and the functional significance of this variant is currently unknown. This variant results in a copy number gain of the genomic region encompassing exon(s) 11-14 of the OSBPL2 gene. This region includes the termination codon of the gene. This copy number gain extends beyond the assayed region for this gene and therefore may encompass additional genes. As the precise location of this event is unknown, it may be in tandem or it may be located elsewhere in the genome.